The following is an entry in ClinVar:

ClinVar aggregate classification (germline): Uncertain significance (1 of 4 stars; one submission).

Conditions:
Familial meningioma. Also called: Meningioma, familial, susceptibility to. Identifiers: Orphanet 263662, MedGen C3551915, MONDO:0011789, OMIM 607174.

Submission:

Labcorp Genetics (formerly Invitae), Labcorp
Classification: Uncertain significance for Familial meningioma. Last evaluated: 2022-04-20. Review status: criteria provided, single submitter. Criteria: Invitae Variant Classification Sherloc (09022015). Collection method: clinical testing. Allele origin: germline.
Comment: This variant is not present in population databases (gnomAD no frequency). This variant, c.986_1000dup, results in the insertion of 5 amino acid(s) of the SMARCE1 protein (p.Gly329_Lys333dup), but otherwise preserves the integrity of the reading frame. This variant has not been reported in the literature in individuals affected with SMARCE1-related conditions. In summary, the available evidence is currently insufficient to determine the role of this variant in disease. Therefore, it has been classified as a Variant of Uncertain Significance.

NM_003079.5(SMARCE1):c.986_1000dup (p.Lys333_Asp334insGlyGluGluLysLys)

Gene: SMARCE1 (SWI/SNF related BAF chromatin remodeling complex subunit E1; minus strand). Cytogenetic location: 17q21.2.
Variant type: Duplication.
Coding change: c.986_1000dup on transcript NM_003079.5 (MANE Select); coding-DNA positions 986 to 1000, 15 bases duplicated (GCGAGGAGAAGAAAG).
Protein change: p.Lys333_Asp334insGlyGluGluLysLys.
Molecular consequence: inframe insertion.
Genome position (GRCh38, 1-based): chr17:40,630,741-40,630,755, CTTTCTTCTCCTCGC duplicated on the plus strand (GCGAGGAGAAGAAAG on the coding strand, the reverse complement: SMARCE1 is on the minus strand); duplicating any 15 consecutive bases within chr17:40,630,741-40,630,759 gives the same sequence; the c. name uses the placement nearest the transcript's 3' end. VCF-style (leftmost placement, unchanged base first): chr17-40630740-T-TCTTTCTTCTCCTCGC. GRCh37 (hg19) VCF-style: chr17-38786992-T-TCTTTCTTCTCCTCGC.
Identifiers: ClinVar variation 2022185 (VCV002022185.4), dbSNP rs2508595812, ClinGen allele CA2580093681.